The following is an entry in ClinVar:

NM_002834.5(PTPN11):c.1499A>G (p.Gln500Arg)

Gene: PTPN11 (protein tyrosine phosphatase non-receptor type 11; plus strand). Cytogenetic location: 12q24.13.
Variant type: single nucleotide variant.
Coding change: c.1499A>G on transcript NM_002834.5 (MANE Select); coding-DNA position 1499, A replaced by G.
Protein change: p.Gln500Arg; replaces glutamine 500 with arginine.
Molecular consequence: missense variant.
Genome position (GRCh38, 1-based): chr12:112,489,075, A>G. VCF-style: chr12-112489075-A-G. GRCh37 (hg19) VCF-style: chr12-112926879-A-G.
Other names: c.1511A>G, p.Gln504Arg (NM_001330437.2); c.1496A>G, p.Gln499Arg (NM_001374625.1); c.1499A>G (NM_002834.3); short protein forms Q499R, Q500R, Q504R.
Identifiers: ClinVar variation 984450 (VCV000984450.7), dbSNP rs1173984843, ClinGen allele CA386779826.

ClinVar aggregate classification (germline): Uncertain significance. Review status: criteria provided, multiple submitters, no conflicts (2 of 4 stars). 4 submissions from 4 submitters: Uncertain significance (4). Last evaluated 2024-09-28.

Conditions:
Noonan syndrome 1 (NS1). Also called: FEMALE PSEUDO-TURNER SYNDROME; TURNER PHENOTYPE WITH NORMAL KARYOTYPE; PTPN11-Related Noonan Syndrome. Identifiers: Orphanet 648, MedGen C4551602, MONDO:0008104, OMIM 163950. Disease mechanism: gain of function.
RASopathy. Also called: rasopathies; Noonan spectrum disorder. Identifiers: Orphanet 536391, MedGen C5555857, MONDO:0021060.
Cardiovascular phenotype. Identifiers: MedGen CN230736.

Allele frequency attached by ClinVar (database versions not stated): TOPMed below 0.00001.

Submissions (4):

3billion
Classification: Uncertain significance for Noonan syndrome 1. Last evaluated: 2024-09-28. Review status: criteria provided, single submitter. Criteria: ACMG Guidelines, 2015. Collection method: clinical testing. Allele origin: germline. Affected: yes.
Comment: The variant is not observed in the gnomAD v4.1.0 dataset. Predicted Consequence/Location: Missense variant. Missense changes are a common disease-causing mechanism. In silico tool predictions suggest damaging effect of the variant on gene or gene product [REVEL: 0.90 (>=0.6, sensitivity 0.68 and specificity 0.92); 3Cnet: 0.97 (>=0.6, sensitivity 0.72 and precision 0.9)]. The same variant and different missense changes at the same codon have been reported as of uncertain significance (ClinVar ID: VCV000984450, VCV001463473, VCV000981536). Therefore, this variant is classified as VUS according to the recommendation of ACMG/AMP guideline.

Ambry Genetics
Classification: Uncertain significance for Cardiovascular phenotype. Last evaluated: 2024-03-01. Review status: criteria provided, single submitter. Criteria: Ambry Variant Classification Scheme 2023. Collection method: clinical testing. Allele origin: germline.
Comment: The p.Q500R variant (also known as c.1499A>G), located in coding exon 13 of the PTPN11 gene, results from an A to G substitution at nucleotide position 1499. The glutamine at codon 500 is replaced by arginine, an amino acid with highly similar properties. This amino acid position is conserved. In addition, this alteration is predicted to be deleterious by in silico analysis. Based on the available evidence, the clinical significance of this alteration remains unclear.

Labcorp Genetics (formerly Invitae), Labcorp
Classification: Uncertain significance for RASopathy. Last evaluated: 2022-05-25. Review status: criteria provided, single submitter. Criteria: Invitae Variant Classification Sherloc (09022015). Collection method: clinical testing. Allele origin: germline.
Comment: This sequence change replaces glutamine, which is neutral and polar, with arginine, which is basic and polar, at codon 500 of the PTPN11 protein (p.Gln500Arg). In summary, the available evidence is currently insufficient to determine the role of this variant in disease. Therefore, it has been classified as a Variant of Uncertain Significance. Advanced modeling of protein sequence and biophysical properties (such as structural, functional, and spatial information, amino acid conservation, physicochemical variation, residue mobility, and thermodynamic stability) performed at Invitae indicates that this missense variant is expected to disrupt PTPN11 protein function. ClinVar contains an entry for this variant (Variation ID: 984450). This variant has not been reported in the literature in individuals affected with PTPN11-related conditions. This variant is not present in population databases (gnomAD no frequency).

Women's Health and Genetics/Laboratory Corporation of America, LabCorp
Classification: Uncertain significance. Last evaluated: 2020-10-19. Review status: criteria provided, single submitter. Criteria: LabCorp Variant Classification Summary - May 2015. Collection method: clinical testing. Allele origin: germline.
Comment: Variant summary: PTPN11 c.1499A>G (p.Gln500Arg) results in a conservative amino acid change located in the PTP type protein phosphatase domain (IPR000242) of the encoded protein sequence. Four of five in-silico tools predict a damaging effect of the variant on protein function. The variant was absent in 251492 control chromosomes. The available data on variant occurrences in the general population are insufficient to allow any conclusion about variant significance. To our knowledge, no occurrence of c.1499A>G in individuals affected with Noonan Syndrome and no experimental evidence demonstrating its impact on protein function have been reported. No clinical diagnostic laboratories have submitted clinical-significance assessments for this variant to ClinVar after 2014. Based on the evidence outlined above, the variant was classified as uncertain significance.